The following is an entry in ClinVar:

ClinVar aggregate classification (germline): Uncertain significance (1 of 4 stars; one submission).

Submission:

GeneDx
Classification: Uncertain significance. Last evaluated: 2026-04-19. Review status: criteria provided, single submitter. Criteria: GeneDx Variant Classification Process June 2021. Collection method: clinical testing. Allele origin: germline.
Comment: Observed in a patient with complex congenital heart disease (CHD) reported in the published literature, but this individual also harbored a variant in another gene related to CHD (PMID: 40127276); Frameshift variant predicted to result in abnormal protein length as the last 108 amino acids are replaced with 73 different amino acids; Not observed at significant frequency in large population cohorts (gnomAD); This variant is associated with the following publications: (PMID: 40127276)

NM_003074.4(SMARCC1):c.2990dup (p.Pro998fs)

Gene: SMARCC1 (SWI/SNF related BAF chromatin remodeling complex subunit C1; minus strand). Cytogenetic location: 3p21.31.
Variant type: Duplication.
Coding change: c.2990dup on transcript NM_003074.4 (MANE Select); coding-DNA position 2990, one base duplicated (C; older notation c.2990dupC).
Protein change: p.Pro998fs; shifts the reading frame from proline 998.
Molecular consequence: frameshift variant.
Genome position (GRCh38, 1-based): chr3:47,610,119, G duplicated on the plus strand (C on the coding strand, the reverse complement: SMARCC1 is on the minus strand); the first of 5 consecutive G bases (chr3:47,610,119-47,610,123); duplicating any one gives the same sequence. VCF-style (leftmost placement, unchanged base first): chr3-47610118-A-AG. GRCh37 (hg19) VCF-style: chr3-47651608-A-AG.
Other names: short protein forms P998fs.
Identifiers: ClinVar variation 5036936 (VCV005036936.1).